The following is an entry in ClinVar:

NM_001371928.1(AHDC1):c.4328A>G (p.His1443Arg)

Gene: AHDC1 (AT-hook DNA binding motif containing 1; minus strand). Cytogenetic location: 1p36.11.
Variant type: single nucleotide variant.
Coding change: c.4328A>G on transcript NM_001371928.1 (MANE Select); coding-DNA position 4328, A replaced by G.
Protein change: p.His1443Arg; replaces histidine 1443 with arginine.
Molecular consequence: missense variant.
Genome position (GRCh38, 1-based): chr1:27,547,788, T>C on the plus strand (A>G on the coding strand, the complement: AHDC1 is on the minus strand). VCF-style: chr1-27547788-T-C. GRCh37 (hg19) VCF-style: chr1-27874299-T-C.
Other names: c.4328A>G, p.His1443Arg (NM_001029882.3); short protein forms H1443R.
Identifiers: ClinVar variation 3360702 (VCV003360702.1).
Genomic context (GRCh38, chr1:27,547,788, plus strand): 5'-CCCTTGCAGCTGGGGGAATCGTAGTGGGGCTGGCCCAGCGGCAGGTCCCGGCAGCTCAGG[T>C]GGGCCTGGGCTGCAGCTGCGTGGCCCAGGCTGGCCCCCTGGAGTCCATGCTTGAGGGGCT-3'
Protein context (NP_001358857.1, residues 1433-1453): SLGHAAAAQA[His1443Arg]LSCRDLPLGQ

ClinVar aggregate classification (germline): Uncertain significance (1 of 4 stars; one submission).

gnomAD v4.1: 7 of 1,568,194 alleles (0.00045%); highest among the groups gnomAD compares: South Asian, 0.0012%; no homozygotes.

Submission:

GeneDx
Classification: Uncertain significance. Last evaluated: 2023-07-06. Review status: criteria provided, single submitter. Criteria: GeneDx Variant Classification Process June 2021. Collection method: clinical testing. Allele origin: germline. Affected: yes.
Comment: In silico analysis supports that this missense variant does not alter protein structure/function; Has not been previously published as pathogenic or benign to our knowledge